The following is an entry in ClinVar:

ClinVar aggregate classification (germline): Pathogenic (1 of 4 stars; one submission).

Conditions:
Lynch syndrome 4 (LYNCH4). Also called: Colorectal cancer, hereditary nonpolyposis, type 4; Hereditary non-polyposis colorectal cancer, type 4. Identifiers: Orphanet 144, MedGen C1838333, MONDO:0013699, OMIM 614337. Disease mechanism: loss of function.

Submission:

Myriad Genetics, Inc.
Classification: Pathogenic for Lynch syndrome 4. Last evaluated: 2025-12-19. Review status: criteria provided, single submitter. Criteria: Myriad Autosomal Dominant, Autosomal Recessive and X-Linked Classification Criteria (2023). Collection method: clinical testing. Allele origin: unknown.
Comment: This variant is considered pathogenic. This variant creates a frameshift predicted to result in premature protein truncation.

NM_000535.7(PMS2):c.2293del (p.Ala765fs)

Gene: PMS2 (PMS1 homolog 2, mismatch repair system component; minus strand). Cytogenetic location: 7p22.1.
Variant type: Deletion.
Coding change: c.2293del on transcript NM_000535.7 (MANE Select); coding-DNA position 2293, one base deleted (G; older notation c.2293delG).
Protein change: p.Ala765fs; shifts the reading frame from alanine 765.
Molecular consequence: frameshift variant. On other transcripts: intron variant (2).
Genome position (GRCh38, 1-based): chr7:5,977,740, C deleted on the plus strand (G on the coding strand, the reverse complement: PMS2 is on the minus strand); the first of 3 consecutive C bases (chr7:5,977,740-5,977,742); deleting any one gives the same sequence. VCF-style (leftmost placement, unchanged base first): chr7-5977739-GC-G. GRCh37 (hg19) VCF-style: chr7-6017370-GC-G.
Other names: c.2125del, p.Ala709fs (NM_001406874.1, NM_001406872.1); c.2017del, p.Ala673fs (NM_001406875.1); c.2008del, p.Ala670fs (NM_001406876.1); c.1984del, p.Ala662fs (NM_001406877.1, NM_001406878.1, NM_001406879.1 and 4 more transcripts); c.1975del, p.Ala659fs (NM_001406883.1, NM_001322007.2, NM_001322008.2); c.1969del, p.Ala657fs (NM_001406884.1); c.1957del, p.Ala653fs (NM_001406885.1); c.1927del, p.Ala643fs (NM_001406886.1); and 20 more; short protein forms A364fs, A454fs, A508fs, A574fs, A578fs, A594fs, A603fs, A607fs.
Identifiers: ClinVar variation 4813035 (VCV004813035.1).